The following is an entry in ClinVar:

NM_024757.5(EHMT1):c.3406A>G (p.Met1136Val)

Gene: EHMT1 (euchromatic histone lysine methyltransferase 1; plus strand). Cytogenetic location: 9q34.3.
Variant type: single nucleotide variant.
Coding change: c.3406A>G on transcript NM_024757.5 (MANE Select); coding-DNA position 3406, A replaced by G.
Protein change: p.Met1136Val; replaces methionine 1136 with valine.
Molecular consequence: missense variant.
Genome position (GRCh38, 1-based): chr9:137,817,470, A>G. VCF-style: chr9-137817470-A-G. GRCh37 (hg19) VCF-style: chr9-140711922-A-G.
Other names: c.3385A>G, p.Met1129Val (NM_001354263.2); c.3406A>G (NM_024757.4); short protein forms M1129V, M1136V.
Identifiers: ClinVar variation 2441196 (VCV002441196.7), dbSNP rs758813561, ClinGen allele CA5375303.

ClinVar aggregate classification (germline): Uncertain significance. Review status: criteria provided, multiple submitters, no conflicts (2 of 4 stars). 3 submissions from 3 submitters: Uncertain significance (3). Last evaluated 2025-02-12.

Conditions:
Kleefstra syndrome 1 (KLEFS1). Identifiers: Orphanet 261494, MedGen C0795833, MONDO:0027407, OMIM 610253.
Inborn genetic diseases. Identifiers: MedGen C0950123, MeSH D030342.

Allele frequency attached by ClinVar (database versions not stated): ExAC 0.00002; gnomAD 0.00001; gnomAD exomes 0.00001; TOPMed 0.00001.

Submissions (3):

Ambry Genetics
Classification: Uncertain significance for Inborn genetic diseases. Last evaluated: 2025-02-12. Review status: criteria provided, single submitter. Criteria: Ambry Variant Classification Scheme 2023. Collection method: clinical testing. Allele origin: germline.

Labcorp Genetics (formerly Invitae), Labcorp
Classification: Uncertain significance for Kleefstra syndrome 1. Last evaluated: 2023-09-20. Review status: criteria provided, single submitter. Criteria: Invitae Variant Classification Sherloc (09022015). Collection method: clinical testing. Allele origin: germline.
Comment: In summary, the available evidence is currently insufficient to determine the role of this variant in disease. Therefore, it has been classified as a Variant of Uncertain Significance. Advanced modeling of protein sequence and biophysical properties (such as structural, functional, and spatial information, amino acid conservation, physicochemical variation, residue mobility, and thermodynamic stability) performed at Invitae indicates that this missense variant is not expected to disrupt EHMT1 protein function. ClinVar contains an entry for this variant (Variation ID: 2441196). This variant has not been reported in the literature in individuals affected with EHMT1-related conditions. This variant is present in population databases (rs758813561, gnomAD 0.003%). This sequence change replaces methionine, which is neutral and non-polar, with valine, which is neutral and non-polar, at codon 1136 of the EHMT1 protein (p.Met1136Val).

Revvity Omics, Revvity
Classification: Uncertain significance for Kleefstra syndrome 1. Last evaluated: 2021-04-22. Review status: criteria provided, single submitter. Criteria: ACMG Guidelines, 2015. Collection method: clinical testing. Allele origin: germline.